The following is an entry in ClinVar:

ClinVar aggregate classification (germline): Uncertain significance (1 of 4 stars; one submission).

gnomAD v4.1: 1 of 1,598,288 alleles (0.000063%); highest among the groups gnomAD compares: African/African-American, 0.0013%; no homozygotes.

Submission:

Labcorp Genetics (formerly Invitae), Labcorp
Classification: Uncertain significance. Last evaluated: 2025-12-08. Review status: criteria provided, single submitter. Criteria: Invitae Variant Classification Sherloc (09022015). Collection method: clinical testing. Allele origin: germline.
Comment: This sequence change replaces proline, which is neutral and non-polar, with serine, which is neutral and polar, at codon 738 of the PACS2 protein (p.Pro738Ser). This variant is not present in population databases (gnomAD no frequency). This variant has not been reported in the literature in individuals affected with PACS2-related conditions. Invitae Evidence Modeling of protein sequence and biophysical properties (such as structural, functional, and spatial information, amino acid conservation, physicochemical variation, residue mobility, and thermodynamic stability) indicates that this missense variant is not expected to disrupt PACS2 protein function with a negative predictive value of 80%. In summary, the available evidence is currently insufficient to determine the role of this variant in disease. Therefore, it has been classified as a Variant of Uncertain Significance.

NM_001100913.3(PACS2):c.2212C>T (p.Pro738Ser)

Gene: PACS2 (phosphofurin acidic cluster sorting protein 2; plus strand). Cytogenetic location: 14q32.33.
Variant type: single nucleotide variant.
Coding change: c.2212C>T on transcript NM_001100913.3 (MANE Select); coding-DNA position 2212, C replaced by T.
Protein change: p.Pro738Ser; replaces proline 738 with serine.
Molecular consequence: missense variant.
Genome position (GRCh38, 1-based): chr14:105,391,723, C>T. VCF-style: chr14-105391723-C-T. GRCh37 (hg19) VCF-style: chr14-105858060-C-T.
Other names: c.1942C>T, p.Pro648Ser (NM_001243127.3); c.2167C>T, p.Pro723Ser (NM_015197.4); short protein forms P738S, P723S, P648S.
Identifiers: ClinVar variation 4766956 (VCV004766956.1).